The following is an entry in ClinVar:

ClinVar aggregate classification (germline): Benign. Review status: criteria provided, single submitter (1 of 4 stars). 2 submissions from 2 submitters: Benign (1). 1 of the submissions does not count toward it. Last evaluated 2023-08-17.

Conditions:
SALL2-related disorder. Also called: SALL2-related condition.

Allele frequency attached by ClinVar (database versions not stated): ESP Exome Variant Server 0.00008; gnomAD 0.00015; TOPMed 0.00017; ExAC 0.00030; 1000 Genomes Project 0.00060; 1000 Genomes Project 30x 0.00062.
gnomAD v4.1: 207 of 1,614,246 alleles (0.013%); highest among the groups gnomAD compares: East Asian, 0.32%; no homozygotes.

Submissions (2):

Labcorp Genetics (formerly Invitae), Labcorp
Classification: Benign. Last evaluated: 2023-08-17. Review status: criteria provided, single submitter. Criteria: Invitae Variant Classification Sherloc (09022015). Collection method: clinical testing. Allele origin: germline.

PreventionGenetics, part of Exact Sciences
Classification: Likely benign for SALL2-related condition. Last evaluated: 2019-12-06. Review status: no assertion criteria provided. Collection method: clinical testing. Allele origin: germline. Not counted in ClinVar's aggregate classification.
Comment: This variant is classified as likely benign based on ACMG/AMP sequence variant interpretation guidelines (Richards et al. 2015 PMID: 25741868, with internal and published modifications).

NM_001364564.1(SALL2):c.2118G>A (p.Gln706=)

Gene: SALL2 (spalt like transcription factor 2; minus strand). Cytogenetic location: 14q11.2.
Variant type: single nucleotide variant.
Coding change: c.2118G>A on transcript NM_001364564.1 (MANE Select); coding-DNA position 2118, G replaced by A.
Protein change: p.Gln706=; no amino-acid change (glutamine 706 retained).
Molecular consequence: synonymous variant.
Genome position (GRCh38, 1-based): chr14:21,523,604, C>T on the plus strand (G>A on the coding strand, the complement: SALL2 is on the minus strand). VCF-style: chr14-21523604-C-T. GRCh37 (hg19) VCF-style: chr14-21991738-C-T.
Other names: c.2124G>A (NM_005407.2); c.1719G>A, p.Gln573= (NM_001291446.2); c.1713G>A, p.Gln571= (NM_001291447.2); c.2124G>A, p.Gln708= (NM_005407.3).
Identifiers: ClinVar variation 2187385 (VCV002187385.6), dbSNP rs199602512, ClinGen allele CA7093549.